The following is an entry in ClinVar:

ClinVar aggregate classification (germline): Uncertain significance (1 of 4 stars; one submission).

Conditions:
Inborn genetic diseases. Identifiers: MedGen C0950123, MeSH D030342.

gnomAD v4.1: 1 of 1,612,974 alleles (0.000062%); no homozygotes.

Submission:

Ambry Genetics
Classification: Uncertain significance for Inborn genetic diseases. Last evaluated: 2025-05-19. Review status: criteria provided, single submitter. Criteria: Ambry Variant Classification Scheme 2023. Collection method: clinical testing. Allele origin: germline.
Comment: The p.R506G variant (also known as c.1516A>G), located in coding exon 12 of the ASXL1 gene, results from an A to G substitution at nucleotide position 1516. The arginine at codon 506 is replaced by glycine, an amino acid with dissimilar properties. This amino acid position is conserved. In addition, this alteration is predicted to be tolerated by in silico analysis. Based on the available evidence, the clinical significance of this variant remains unclear.

NM_015338.6(ASXL1):c.1516A>G (p.Arg506Gly)

Gene: ASXL1 (ASXL transcriptional regulator 1; plus strand). Cytogenetic location: 20q11.21.
Variant type: single nucleotide variant.
Coding change: c.1516A>G on transcript NM_015338.6 (MANE Select); coding-DNA position 1516, A replaced by G.
Protein change: p.Arg506Gly; replaces arginine 506 with glycine.
Molecular consequence: missense variant.
Genome position (GRCh38, 1-based): chr20:32,433,714, A>G. VCF-style: chr20-32433714-A-G. GRCh37 (hg19) VCF-style: chr20-31021517-A-G.
Other names: c.1333A>G, p.Arg445Gly (NM_001363734.1); short protein forms R445G, R506G.
Identifiers: ClinVar variation 3957155 (VCV003957155.1).